The following is an entry in ClinVar:

ClinVar aggregate classification (germline): Uncertain significance. Review status: criteria provided, multiple submitters, no conflicts (2 of 4 stars). 2 submissions from 2 submitters: Uncertain significance (2). Last evaluated 2025-06-03.

Submissions (2):

GeneDx
Classification: Uncertain significance. Last evaluated: 2025-06-03. Review status: criteria provided, single submitter. Criteria: GeneDx Variant Classification Process June 2021. Collection method: clinical testing. Allele origin: germline. Affected: yes.
Comment: Not observed at significant frequency in large population cohorts (gnomAD); In silico analysis suggests that this missense variant does not alter protein structure/function; Has not been previously published as pathogenic or benign to our knowledge

Labcorp Genetics (formerly Invitae), Labcorp
Classification: Uncertain significance. Last evaluated: 2025-03-16. Review status: criteria provided, single submitter. Criteria: Invitae Variant Classification Sherloc (09022015). Collection method: clinical testing. Allele origin: germline.
Comment: This sequence change replaces serine, which is neutral and polar, with alanine, which is neutral and non-polar, at codon 476 of the KMT2A protein (p.Ser476Ala). This variant is not present in population databases (gnomAD no frequency). This variant has not been reported in the literature in individuals affected with KMT2A-related conditions. Invitae Evidence Modeling of protein sequence and biophysical properties (such as structural, functional, and spatial information, amino acid conservation, physicochemical variation, residue mobility, and thermodynamic stability) indicates that this missense variant is not expected to disrupt KMT2A protein function with a negative predictive value of 95%. In summary, the available evidence is currently insufficient to determine the role of this variant in disease. Therefore, it has been classified as a Variant of Uncertain Significance.

NM_001197104.2(KMT2A):c.1426T>G (p.Ser476Ala)

Gene: KMT2A (lysine methyltransferase 2A; plus strand). Cytogenetic location: 11q23.3.
Variant type: single nucleotide variant.
Coding change: c.1426T>G on transcript NM_001197104.2 (MANE Select); coding-DNA position 1426, T replaced by G.
Protein change: p.Ser476Ala; replaces serine 476 with alanine.
Molecular consequence: missense variant.
Genome position (GRCh38, 1-based): chr11:118,472,585, T>G. VCF-style: chr11-118472585-T-G. GRCh37 (hg19) VCF-style: chr11-118343300-T-G.
Other names: c.1525T>G, p.Ser509Ala (NM_001412597.1); c.1426T>G, p.Ser476Ala (NM_005933.4); short protein forms S476A, S509A.
Identifiers: ClinVar variation 4536504 (VCV004536504.2).